The following is an entry in ClinVar:

ClinVar aggregate classification (germline): Uncertain significance. Review status: criteria provided, multiple submitters, no conflicts (2 of 4 stars). 2 submissions from 2 submitters: Uncertain significance (2). Last evaluated 2026-01-20.

Conditions:
Hereditary cancer-predisposing syndrome. Also called: Tumor predisposition; Hereditary Cancer Syndrome; Hereditary neoplastic syndrome; Neoplastic Syndromes, Hereditary. Identifiers: Orphanet 140162, MedGen C0027672, MeSH D009386, MONDO:0015356.
Pheochromocytoma. Also called: MAX-Related Hereditary Paraganglioma-Pheochromocytoma Syndrome. Identifiers: Orphanet 29072, MedGen C0031511, MONDO:0008233, OMIM 171300, HP:0002666.
Gastrointestinal stromal tumor. Also called: Gastrointestinal stroma tumor; Gastrointestinal stromal tumor, somatic. Identifiers: Orphanet 44890, MedGen C0238198, MeSH D046152, MONDO:0011719, OMIM 606764, HP:0100723.
Pheochromocytoma/paraganglioma syndrome 4. Also called: CAROTID BODY TUMORS AND MULTIPLE EXTRAADRENAL PHEOCHROMOCYTOMAS; PARAGANGLIOMA, FAMILIAL MALIGNANT; PARAGANGLIOMAS, HEREDITARY EXTRAADRENAL; PHEOCHROMOCYTOMA, FAMILIAL EXTRAADRENAL; Paragangliomas 4; SDHB-Related Hereditary Paraganglioma-Pheochromocytoma Syndrome (Paragangliomas 4). Identifiers: Orphanet 29072, MedGen C1861848, MONDO:0007273, OMIM 115310.

Submissions (2):

Ambry Genetics
Classification: Uncertain significance for Hereditary cancer-predisposing syndrome. Last evaluated: 2026-01-20. Review status: criteria provided, single submitter. Criteria: Ambry Variant Classification Scheme 2023. Collection method: clinical testing. Allele origin: germline.
Comment: The p.I136L variant (also known as c.406A>T), located in coding exon 4 of the SDHB gene, results from an A to T substitution at nucleotide position 406. The isoleucine at codon 136 is replaced by leucine, an amino acid with highly similar properties. This amino acid position is conserved. In addition, the in silico prediction for this alteration is inconclusive. Based on the available evidence, the clinical significance of this variant remains unclear.

Labcorp Genetics (formerly Invitae), Labcorp
Classification: Uncertain significance for Gastrointestinal stromal tumor; Pheochromocytoma/paraganglioma syndrome 4; Pheochromocytoma. Last evaluated: 2023-01-14. Review status: criteria provided, single submitter. Criteria: Invitae Variant Classification Sherloc (09022015). Collection method: clinical testing. Allele origin: germline.
Comment: In summary, the available evidence is currently insufficient to determine the role of this variant in disease. Therefore, it has been classified as a Variant of Uncertain Significance. Algorithms developed to predict the effect of sequence changes on RNA splicing suggest that this variant may create or strengthen a splice site. Advanced modeling of protein sequence and biophysical properties (such as structural, functional, and spatial information, amino acid conservation, physicochemical variation, residue mobility, and thermodynamic stability) performed at Invitae indicates that this missense variant is not expected to disrupt SDHB protein function. This variant has not been reported in the literature in individuals affected with SDHB-related conditions. This variant is not present in population databases (gnomAD no frequency). This sequence change replaces isoleucine, which is neutral and non-polar, with leucine, which is neutral and non-polar, at codon 136 of the SDHB protein (p.Ile136Leu).

NM_003000.3(SDHB):c.406A>T (p.Ile136Leu)

Gene: SDHB (succinate dehydrogenase complex iron sulfur subunit B; minus strand). Cytogenetic location: 1p36.13.
Variant type: single nucleotide variant.
Coding change: c.406A>T on transcript NM_003000.3 (MANE Select); coding-DNA position 406, A replaced by T.
Protein change: p.Ile136Leu; replaces isoleucine 136 with leucine.
Molecular consequence: missense variant.
Genome position (GRCh38, 1-based): chr1:17,028,617, T>A on the plus strand (A>T on the coding strand, the complement: SDHB is on the minus strand). VCF-style: chr1-17028617-T-A. GRCh37 (hg19) VCF-style: chr1-17355112-T-A.
Other names: short protein forms I136L.
Identifiers: ClinVar variation 1994756 (VCV001994756.5), dbSNP rs2078004347, ClinGen allele CA338274015.